The following is an entry in ClinVar:

ClinVar aggregate classification (germline): Uncertain significance (1 of 4 stars; one submission).

Conditions:
Hereditary spastic paraplegia 11. Also called: Nakamura Osame syndrome; Autosomal recessive hereditary spastic paraplegia, mental impairment, and thin corpus callosum; Spastic paraplegia, mental retardation and thin corpus callosum; SPASTIC PARAPLEGIA, AUTOSOMAL RECESSIVE, COMPLICATED, WITH THIN CORPUS CALLOSUM; SPASTIC PARAPLEGIA, AUTOSOMAL RECESSIVE, WITH MENTAL IMPAIRMENT AND THIN CORPUS CALLOSUM; Spastic Paraplegia 11. Identifiers: Orphanet 2822, MedGen C1858479, MONDO:0011445, OMIM 604360.

Submission:

Labcorp Genetics (formerly Invitae), Labcorp
Classification: Uncertain significance for Hereditary spastic paraplegia 11. Last evaluated: 2022-08-20. Review status: criteria provided, single submitter. Criteria: Invitae Variant Classification Sherloc (09022015). Collection method: clinical testing. Allele origin: germline.
Comment: This sequence change replaces aspartic acid, which is acidic and polar, with tyrosine, which is neutral and polar, at codon 91 of the SPG11 protein (p.Asp91Tyr). This variant is not present in population databases (gnomAD no frequency). This variant has not been reported in the literature in individuals affected with SPG11-related conditions. Algorithms developed to predict the effect of missense changes on protein structure and function are either unavailable or do not agree on the potential impact of this missense change (SIFT: "Deleterious"; PolyPhen-2: "Benign"; Align-GVGD: "Class C0"). In summary, the available evidence is currently insufficient to determine the role of this variant in disease. Therefore, it has been classified as a Variant of Uncertain Significance.

NM_025137.4(SPG11):c.271G>T (p.Asp91Tyr)

Gene: SPG11 (SPG11 vesicle trafficking associated, spatacsin; minus strand). Cytogenetic location: 15q21.1.
Variant type: single nucleotide variant.
Coding change: c.271G>T on transcript NM_025137.4 (MANE Select); coding-DNA position 271, G replaced by T.
Protein change: p.Asp91Tyr; replaces aspartic acid 91 with tyrosine.
Molecular consequence: missense variant.
Genome position (GRCh38, 1-based): chr15:44,660,603, C>A on the plus strand (G>T on the coding strand, the complement: SPG11 is on the minus strand). VCF-style: chr15-44660603-C-A. GRCh37 (hg19) VCF-style: chr15-44952801-C-A.
Other names: c.271G>T, p.Asp91Tyr (NM_001160227.2, NM_001411132.1); short protein forms D91Y.
Identifiers: ClinVar variation 1717020 (VCV001717020.3), dbSNP rs2505777069, ClinGen allele CA392238436.